The following is an entry in ClinVar:

NM_001122681.2(SH3BP2):c.*1318T>C

Genes: SH3BP2 (SH3 domain binding protein 2; plus strand), LOC129992072 (ATAC-STARR-seq lymphoblastoid active region 21192; plus strand). Cytogenetic location: 4p16.3.
Variant type: single nucleotide variant.
Coding change: c.*1318T>C on transcript NM_001122681.2 (MANE Select); 1318 bases downstream of the stop codon, T replaced by C.
Molecular consequence: 3 prime UTR variant.
Genome position (GRCh38, 1-based): chr4:2,835,152, T>C. VCF-style: chr4-2835152-T-C. GRCh37 (hg19) VCF-style: chr4-2836879-T-C.
Other names: c.*1318T>C (LRG_1334t1, LRG_1334t2, NM_001145855.2 and 2 more transcripts).
Identifiers: ClinVar variation 348612 (VCV000348612.6), dbSNP rs57162329, ClinGen allele CA10617682.

ClinVar aggregate classification (germline): Benign. Review status: criteria provided, multiple submitters, no conflicts (2 of 4 stars). 2 submissions from 2 submitters: Benign (2). Last evaluated 2018-01-12.

Conditions:
Fibrous dysplasia of jaw (CRBM). Also called: Cherubism. Identifiers: Orphanet 184, MedGen C0008029, MONDO:0007315, OMIM 118400.

Allele frequency attached by ClinVar (database versions not stated): gnomAD 0.00746 and 0.01099; TOPMed 0.01193; 1000 Genomes Project 30x 0.05543; 1000 Genomes Project 0.06270.

Submissions (2):

Illumina Laboratory Services, Illumina
Classification: Benign for Fibrous dysplasia of jaw. Last evaluated: 2018-01-12. Review status: criteria provided, single submitter. Criteria: ICSL Variant Classification Criteria 13 December 2019. Collection method: clinical testing. Allele origin: germline.
Comment: This variant was observed in the ICSL laboratory as part of a predisposition screen in an ostensibly healthy population. It had not been previously curated by ICSL or reported in the Human Gene Mutation Database (HGMD: prior to June 1st, 2018), and was therefore a candidate for classification through an automated scoring system. Utilizing variant allele frequency, disease prevalence and penetrance estimates, and inheritance mode, an automated score was calculated to assess if this variant is too frequent to cause the disease. Based on the score and internal cut-off values, a variant classified as benign is not then subjected to further curation. The score for this variant resulted in a classification of benign for this disease.

Breakthrough Genomics
Classification: Benign. Review status: criteria provided, single submitter. Criteria: ACMG Guidelines, 2015. Collection method: not provided. Allele origin: germline. Inheritance: Autosomal dominant inheritance. Affected: yes.